The following is an entry in ClinVar:

NM_001384732.1(CPLANE1):c.49A>T (p.Lys17Ter)

Gene: CPLANE1 (ciliogenesis and planar polarity effector complex subunit 1; minus strand). Cytogenetic location: 5p13.2.
Variant type: single nucleotide variant.
Coding change: c.49A>T on transcript NM_001384732.1 (MANE Select); coding-DNA position 49, A replaced by T.
Protein change: p.Lys17Ter; replaces lysine 17 with a stop codon.
Molecular consequence: nonsense.
Genome position (GRCh38, 1-based): chr5:37,247,650, T>A on the plus strand (A>T on the coding strand, the complement: CPLANE1 is on the minus strand). VCF-style: chr5-37247650-T-A. GRCh37 (hg19) VCF-style: chr5-37247752-T-A.
Other names: c.49A>T, p.Lys17Ter (NM_023073.4); short protein forms K17*.
Identifiers: ClinVar variation 1331574 (VCV001331574.4), dbSNP rs2150867081, ClinGen allele CA359525215.

ClinVar aggregate classification (germline): Likely pathogenic (1 of 4 stars; one submission).

Submission:

Greenwood Genetic Center Diagnostic Laboratories, Greenwood Genetic Center
Classification: Likely pathogenic. Last evaluated: 2021-02-12. Review status: criteria provided, single submitter. Criteria: ACMG Guidelines, 2015. Collection method: clinical testing. Allele origin: germline. Affected: yes.
Comment: PVS1, PM2